The following is an entry in ClinVar:

NM_022725.4(FANCF):c.327C>G (p.Tyr109Ter)

Gene: FANCF (FA complementation group F; minus strand). Cytogenetic location: 11p14.3.
Variant type: single nucleotide variant.
Coding change: c.327C>G on transcript NM_022725.4 (MANE Select); coding-DNA position 327, C replaced by G.
Protein change: p.Tyr109Ter; replaces tyrosine 109 with a stop codon.
Molecular consequence: nonsense.
Genome position (GRCh38, 1-based): chr11:22,625,484, G>C on the plus strand (C>G on the coding strand, the complement: FANCF is on the minus strand). VCF-style: chr11-22625484-G-C. GRCh37 (hg19) VCF-style: chr11-22647030-G-C.
Other names: NM_022725.3:c.327C>G; short protein forms Y109*.
Identifiers: ClinVar variation 6344 (VCV000006344.3), dbSNP rs104894222, ClinGen allele CA253847.

ClinVar aggregate classification (germline): Pathogenic. Review status: no assertion criteria provided (0 of 4 stars). 2 submissions from 2 submitters: Pathogenic (2). Last evaluated 2011-02-07.

Conditions:
Fanconi anemia complementation group F. Also called: FANCF-Related Fanconi Anemia. Identifiers: Orphanet 84, MedGen C3469526, MONDO:0011325, OMIM 603467.

Submissions (2):

Leiden Open Variation Database
Classification: Pathogenic for Fanconi anemia complementation group F. Last evaluated: 2011-02-07. Review status: no assertion criteria provided. Collection method: curation. Allele origin: germline. Affected: yes.
Comment: Curator: Arleen D. Auerbach. Submitter to LOVD: Johan de Winter.

OMIM
Classification: Pathogenic for FANCONI ANEMIA, COMPLEMENTATION GROUP F. Last evaluated: 2000-01-01. Review status: no assertion criteria provided. Collection method: literature only. Allele origin: germline.

Literature cited by the submitters: PubMed 10615118 (cited by Leiden Open Variation Database and OMIM).